The following is an entry in ClinVar:

ClinVar aggregate classification (germline): Uncertain significance (1 of 4 stars; one submission).

Allele frequency attached by ClinVar (database versions not stated): gnomAD exomes below 0.00001; gnomAD 0.00001; TOPMed 0.00001; ExAC 0.00002.
gnomAD v4.1: 6 of 1,613,946 alleles (0.00037%); highest among the groups gnomAD compares: Non-Finnish European, 0.00051%; no homozygotes.

Submission:

Labcorp Genetics (formerly Invitae), Labcorp
Classification: Uncertain significance. Last evaluated: 2024-12-10. Review status: criteria provided, single submitter. Criteria: Invitae Variant Classification Sherloc (09022015). Collection method: clinical testing. Allele origin: germline.
Comment: This sequence change replaces alanine, which is neutral and non-polar, with valine, which is neutral and non-polar, at codon 360 of the CFI protein (p.Ala360Val). This variant is present in population databases (rs766485759, gnomAD 0.003%). This variant has not been reported in the literature in individuals affected with CFI-related conditions. ClinVar contains an entry for this variant (Variation ID: 1914900). Invitae Evidence Modeling of protein sequence and biophysical properties (such as structural, functional, and spatial information, amino acid conservation, physicochemical variation, residue mobility, and thermodynamic stability) indicates that this missense variant is not expected to disrupt CFI protein function with a negative predictive value of 80%. In summary, the available evidence is currently insufficient to determine the role of this variant in disease. Therefore, it has been classified as a Variant of Uncertain Significance.

NM_000204.5(CFI):c.1079C>T (p.Ala360Val)

Gene: CFI (complement factor I; minus strand). Cytogenetic location: 4q25.
Variant type: single nucleotide variant.
Coding change: c.1079C>T on transcript NM_000204.5 (MANE Select); coding-DNA position 1079, C replaced by T.
Protein change: p.Ala360Val; replaces alanine 360 with valine.
Molecular consequence: missense variant. On other transcripts: non-coding transcript variant (3).
Genome position (GRCh38, 1-based): chr4:109,749,287, G>A on the plus strand (C>T on the coding strand, the complement: CFI is on the minus strand). VCF-style: chr4-109749287-G-A. GRCh37 (hg19) VCF-style: chr4-110670443-G-A.
Other names: c.1103C>T, p.Ala368Val (NM_001318057.2, NM_001375278.1); c.1058C>T, p.Ala353Val (NM_001331035.2, NM_001375280.1, NM_001375282.1); c.1079C>T, p.Ala360Val (NM_001375279.1, NM_001375281.1); c.1022C>T, p.Ala341Val (NM_001375283.1); c.470C>T, p.Ala157Val (NM_001375284.1); short protein forms A360V, A368V, A157V, A341V, A353V.
Identifiers: ClinVar variation 1914900 (VCV001914900.5), dbSNP rs766485759, ClinGen allele CA3042017.
Genomic context (GRCh38, chr4:109,749,287, plus strand): 5'-TGTGCAGCAGTCAGAATCCAACAGCCACCAATATAAATTCCCCCACAGGTGATTCCACTG[G>A]CATCCTTAATTGCCACCTGCCATGGGAGGTCTCCCTGTAAAAGACATTTGTGTGGTCACT-3'
Protein context (NP_000195.3, residues 350-370): DLPWQVAIKD[Ala360Val]SGITCGGIYI